The following is an entry in ClinVar:

NM_001453.3(FOXC1):c.955G>A (p.Gly319Arg)

Gene: FOXC1 (forkhead box C1; plus strand). Cytogenetic location: 6p25.3.
Variant type: single nucleotide variant.
Coding change: c.955G>A on transcript NM_001453.3 (MANE Select); coding-DNA position 955, G replaced by A.
Protein change: p.Gly319Arg; replaces glycine 319 with arginine.
Molecular consequence: missense variant.
Genome position (GRCh38, 1-based): chr6:1,611,400, G>A. VCF-style: chr6-1611400-G-A. GRCh37 (hg19) VCF-style: chr6-1611635-G-A.
Other names: short protein forms G319R.
Identifiers: ClinVar variation 2720434 (VCV002720434.3), dbSNP rs1390061489, ClinGen allele CA362559928.

ClinVar aggregate classification (germline): Uncertain significance (1 of 4 stars; one submission).

Conditions:
Axenfeld-Rieger syndrome type 3 (RIEG3). Also called: AXENFELD-RIEGER ANOMALY WITH CARDIAC DEFECTS AND/OR SENSORINEURAL HEARING LOSS. Identifiers: Orphanet 782, MedGen C2678503, MONDO:0011233, OMIM 602482.

Allele frequency attached by ClinVar (database versions not stated): gnomAD exomes 0.00001.
gnomAD v4.1: 3 of 1,450,762 alleles (0.00021%); highest among the groups gnomAD compares: South Asian, 0.0013%; no homozygotes.

Submission:

Labcorp Genetics (formerly Invitae), Labcorp
Classification: Uncertain significance for Axenfeld-Rieger syndrome type 3. Last evaluated: 2024-01-11. Review status: criteria provided, single submitter. Criteria: Invitae Variant Classification Sherloc (09022015). Collection method: clinical testing. Allele origin: germline.
Comment: This sequence change replaces glycine, which is neutral and non-polar, with arginine, which is basic and polar, at codon 319 of the FOXC1 protein (p.Gly319Arg). This variant is not present in population databases (gnomAD no frequency). This variant has not been reported in the literature in individuals affected with FOXC1-related conditions. An algorithm developed to predict the effect of missense changes on protein structure and function (PolyPhen-2) suggests that this variant is likely to be disruptive. In summary, the available evidence is currently insufficient to determine the role of this variant in disease. Therefore, it has been classified as a Variant of Uncertain Significance.